The following is an entry in ClinVar:

ClinVar aggregate classification (germline): Uncertain significance (1 of 4 stars; one submission).

Submission:

Labcorp Genetics (formerly Invitae), Labcorp
Classification: Uncertain significance. Last evaluated: 2025-05-22. Review status: criteria provided, single submitter. Criteria: Invitae Variant Classification Sherloc (09022015). Collection method: clinical testing. Allele origin: germline.
Comment: This sequence change replaces tyrosine, which is neutral and polar, with histidine, which is basic and polar, at codon 117 of the YWHAG protein (p.Tyr117His). This variant is not present in population databases (gnomAD no frequency). This variant has not been reported in the literature in individuals affected with YWHAG-related conditions. Invitae Evidence Modeling of protein sequence and biophysical properties (such as structural, functional, and spatial information, amino acid conservation, physicochemical variation, residue mobility, and thermodynamic stability) indicates that this missense variant is not expected to disrupt YWHAG protein function with a negative predictive value of 80%. In summary, the available evidence is currently insufficient to determine the role of this variant in disease. Therefore, it has been classified as a Variant of Uncertain Significance.

NM_012479.4(YWHAG):c.349T>C (p.Tyr117His)

Gene: YWHAG (tyrosine 3-monooxygenase/tryptophan 5-monooxygenase activation protein gamma; minus strand). Cytogenetic location: 7q11.23.
Variant type: single nucleotide variant.
Coding change: c.349T>C on transcript NM_012479.4 (MANE Select); coding-DNA position 349, T replaced by C.
Protein change: p.Tyr117His; replaces tyrosine 117 with histidine.
Molecular consequence: missense variant.
Genome position (GRCh38, 1-based): chr7:76,329,972, A>G on the plus strand (T>C on the coding strand, the complement: YWHAG is on the minus strand). VCF-style: chr7-76329972-A-G. GRCh37 (hg19) VCF-style: chr7-75959289-A-G.
Other names: short protein forms Y117H.
Identifiers: ClinVar variation 4808859 (VCV004808859.1).